The following is an entry in ClinVar:

NM_007262.5(PARK7):c.*124C>T

Gene: PARK7 (Parkinsonism associated deglycase; plus strand). Cytogenetic location: 1p36.23.
Variant type: single nucleotide variant.
Coding change: c.*124C>T on transcript NM_007262.5 (MANE Select); 124 bases downstream of the stop codon, C replaced by T.
Molecular consequence: 3 prime UTR variant.
Genome position (GRCh38, 1-based): chr1:7,985,178, C>T. VCF-style: chr1-7985178-C-T. GRCh37 (hg19) VCF-style: chr1-8045238-C-T.
Other names: c.*124C>T (NM_001123377.2).
Identifiers: ClinVar variation 875476 (VCV000875476.7), dbSNP rs147437667, ClinGen allele CA17286832.

ClinVar aggregate classification (germline): Likely benign. Review status: criteria provided, multiple submitters, no conflicts (2 of 4 stars). 4 submissions from 4 submitters: Likely benign (4). Last evaluated 2021-10-07.

Conditions:
Autosomal recessive early-onset Parkinson disease 7. Identifiers: Orphanet 2828, MedGen C1853445, MONDO:0011658, OMIM 606324.

Allele frequency attached by ClinVar (database versions not stated): gnomAD 0.00447 and 0.00484; TOPMed 0.00496; 1000 Genomes Project 0.00779; 1000 Genomes Project 30x 0.00874.
gnomAD v4.1: 1,280 of 1,327,846 alleles (0.096%); highest among the groups gnomAD compares: African/African-American, 1.6%; 9 homozygotes.

Submissions (4):

Fulgent Genetics
Classification: Likely benign for Autosomal recessive early-onset Parkinson disease 7. Last evaluated: 2021-10-07. Review status: criteria provided, single submitter. Criteria: ACMG Guidelines, 2015. Collection method: clinical testing. Allele origin: unknown.

GeneDx
Classification: Likely benign. Last evaluated: 2021-05-22. Review status: criteria provided, single submitter. Criteria: GeneDx Variant Classification Process June 2021. Collection method: clinical testing. Allele origin: germline. Affected: yes.
Comment: See Variant Classification Assertion Criteria.

Illumina Laboratory Services, Illumina
Classification: Likely benign for Autosomal recessive early-onset Parkinson disease 7. Last evaluated: 2018-01-13. Review status: criteria provided, single submitter. Criteria: ICSL Variant Classification Criteria 13 December 2019. Collection method: clinical testing. Allele origin: germline.
Comment: This variant was observed in the ICSL laboratory as part of a predisposition screen in an ostensibly healthy population. It had not been previously curated by ICSL or reported in the Human Gene Mutation Database (HGMD: prior to June 1st, 2018), and was therefore a candidate for classification through an automated scoring system. Utilizing variant allele frequency, disease prevalence and penetrance estimates, and inheritance mode, an automated score was calculated to assess if this variant is too frequent to cause the disease. Based on the score and internal cut-off values, a variant classified as likely benign is not then subjected to further curation. The score for this variant resulted in a classification of likely benign for this disease.

Breakthrough Genomics
Classification: Likely benign. Review status: criteria provided, single submitter. Criteria: ACMG Guidelines, 2015. Collection method: not provided. Allele origin: germline. Inheritance: Autosomal recessive inheritance. Affected: yes.